The following is an entry in ClinVar:

NM_152387.4(KCTD18):c.1149G>C (p.Pro383=)

Gene: KCTD18 (potassium channel tetramerization domain containing 18; minus strand). Cytogenetic location: 2q33.1.
Variant type: single nucleotide variant.
Coding change: c.1149G>C on transcript NM_152387.4 (MANE Select); coding-DNA position 1149, G replaced by C.
Protein change: p.Pro383=; no amino-acid change (proline 383 retained).
Molecular consequence: synonymous variant.
Genome position (GRCh38, 1-based): chr2:200,490,232, C>G on the plus strand (G>C on the coding strand, the complement: KCTD18 is on the minus strand). VCF-style: chr2-200490232-C-G. GRCh37 (hg19) VCF-style: chr2-201354955-C-G.
Other names: c.1149G>C, p.Pro383= (NM_001321547.2); c.522G>C, p.Pro174= (NM_001321548.2, NM_001321550.2).
Identifiers: ClinVar variation 3056358 (VCV003056358.2), dbSNP rs16833583, ClinGen allele CA2047497.

ClinVar aggregate classification (germline): Benign (0 of 4 stars; one submission).

Conditions:
KCTD18-related disorder. Also called: KCTD18-related condition.

Allele frequency attached by ClinVar (database versions not stated): 1000 Genomes Project 30x 0.03529; 1000 Genomes Project 0.03534; TOPMed 0.03555; ESP Exome Variant Server 0.03767.
gnomAD v4.1: 9,347 of 1,614,212 alleles (0.58%); highest among the groups gnomAD compares: African/African-American, 11%; 494 homozygotes.

Submission:

PreventionGenetics, part of Exact Sciences
Classification: Benign for KCTD18-related condition. Last evaluated: 2019-10-01. Review status: no assertion criteria provided. Collection method: clinical testing. Allele origin: germline.
Comment: This variant is classified as benign based on ACMG/AMP sequence variant interpretation guidelines (Richards et al. 2015 PMID: 25741868, with internal and published modifications).